The following is an entry in ClinVar:

ClinVar aggregate classification (germline): Conflicting classifications of pathogenicity. Review status: criteria provided, conflicting classifications (1 of 4 stars). 3 submissions from 3 submitters: Likely pathogenic (1); Uncertain significance (2). Last evaluated 2025-08-23.

Conditions:
KIF1A-related disorder. Also called: KIF1A-related disorders; KIF1A-related condition.
Hereditary spastic paraplegia 30. Identifiers: Orphanet 101010, MedGen C5235139, MONDO:0012476.
Neuropathy, hereditary sensory, type 2C. Also called: KIF1A-Related HSAN2 (HSAN2C); Hereditary sensory and autonomic neuropathy type IIC. Identifiers: Orphanet 970, MedGen C3280168, MONDO:0013634, OMIM 614213.
Intellectual disability, autosomal dominant 9 (NESCAVS). Also called: NESCAV SYNDROME; KIF1A-Related Neurodevelopmental Disorder. Identifiers: Orphanet 662367, MedGen C5393830, MONDO:0013656, OMIM 614255.

Allele frequency attached by ClinVar (database versions not stated): gnomAD exomes below 0.00001; TOPMed below 0.00001.
gnomAD v4.1: 1 of 1,612,552 alleles (0.000062%); highest among the groups gnomAD compares: Non-Finnish European, 0.000085%; no homozygotes.

Submissions (3):

Labcorp Genetics (formerly Invitae), Labcorp
Classification: Uncertain significance for Hereditary spastic paraplegia 30; Neuropathy, hereditary sensory, type 2C; Intellectual disability, autosomal dominant 9. Last evaluated: 2025-08-23. Review status: criteria provided, single submitter. Criteria: Invitae Variant Classification Sherloc (09022015). Collection method: clinical testing. Allele origin: germline.
Comment: This sequence change replaces arginine, which is basic and polar, with cysteine, which is neutral and slightly polar, at codon 843 of the KIF1A protein (p.Arg843Cys). This variant is present in population databases (no rsID available, gnomAD 0.003%). This missense change has been observed in individuals with clinical features of KIF1A-related conditions (PMID: 31488895; internal data). ClinVar contains an entry for this variant (Variation ID: 661562). Invitae Evidence Modeling of protein sequence and biophysical properties (such as structural, functional, and spatial information, amino acid conservation, physicochemical variation, residue mobility, and thermodynamic stability) has been performed for this missense variant. However, the output from this modeling did not meet the statistical confidence thresholds required to predict the impact of this variant on KIF1A protein function. In summary, the available evidence is currently insufficient to determine the role of this variant in disease. Therefore, it has been classified as a Variant of Uncertain Significance.

Blueprint Genetics
Classification: Likely pathogenic for KIF1A-related disorders. Last evaluated: 2022-01-27. Review status: criteria provided, single submitter. Criteria: ACMG Guidelines, 2015. Collection method: clinical testing. Allele origin: germline. Affected: yes. Observed: 1 variant allele.

SIB Swiss Institute of Bioinformatics
Classification: Uncertain significance for Spastic paraplegia 30A, autosomal dominant. Last evaluated: 2020-06-15. Review status: criteria provided, single submitter. Criteria: ACMG Guidelines, 2015. Collection method: curation. Allele origin: unknown.
Comment: This variant is interpreted as a variant of uncertain significance for spastic paraplegia 30, autosomal dominant. The following ACMG Tag(s) were applied: Multiple lines of computational evidence support a deleterious effect on the gene or gene product (PP3); Missense variant in a gene that has a low rate of benign missense variation and in which missense variants are a common mechanism of disease (PP2); Absent from controls (or at extremely low frequency if recessive) in Exome Sequencing Project, 1000 Genomes Project, or Exome Aggregation Consortium (PM2 downgraded to supporting).

Literature cited by the submitters: PubMed 31488895 (cited by Labcorp Genetics (formerly Invitae), Labcorp and SIB Swiss Institute of Bioinformatics).

NM_001244008.2(KIF1A):c.2554C>T (p.Arg852Cys)

Gene: KIF1A (kinesin family member 1A; minus strand). Cytogenetic location: 2q37.3.
Variant type: single nucleotide variant.
Coding change: c.2554C>T on transcript NM_001244008.2 (MANE Select); coding-DNA position 2554, C replaced by T.
Protein change: p.Arg852Cys; replaces arginine 852 with cysteine.
Molecular consequence: missense variant.
Genome position (GRCh38, 1-based): chr2:240,758,388, G>A on the plus strand (C>T on the coding strand, the complement: KIF1A is on the minus strand). VCF-style: chr2-240758388-G-A. GRCh37 (hg19) VCF-style: chr2-241697805-G-A.
Other names: c.2554C>T, p.Arg852Cys (NM_001320705.2, NM_001330289.2, NM_001379638.1); c.2629C>T, p.Arg877Cys (NM_001330290.2, NM_001379631.1, NM_001379634.1 and 2 more transcripts); c.2527C>T, p.Arg843Cys (NM_001379632.1, NM_001379633.1, NM_001379636.1 and 10 more transcripts); c.2602C>T, p.Arg868Cys (NM_001379637.1, NM_001379648.1); short protein forms R843C, R852C, R877C, R868C.
Identifiers: ClinVar variation 661562 (VCV000661562.6), dbSNP rs1174253803, ClinGen allele CA351323477.